The following is an entry in ClinVar:

NM_002693.3(POLG):c.2557C>T (p.Arg853Trp)

Gene: POLG (DNA polymerase gamma, catalytic subunit; minus strand). Cytogenetic location: 15q26.1.
Variant type: single nucleotide variant.
Coding change: c.2557C>T on transcript NM_002693.3 (MANE Select); coding-DNA position 2557, C replaced by T.
Protein change: p.Arg853Trp; replaces arginine 853 with tryptophan.
Molecular consequence: missense variant.
Genome position (GRCh38, 1-based): chr15:89,321,777, G>A on the plus strand (C>T on the coding strand, the complement: POLG is on the minus strand). VCF-style: chr15-89321777-G-A. GRCh37 (hg19) VCF-style: chr15-89865008-G-A.
Other names: c.2557C>T, p.Arg853Trp (NM_001126131.2); short protein forms R853W.
Identifiers: ClinVar variation 13512 (VCV000013512.46), dbSNP rs121918053, ClinGen allele CA256899.

ClinVar aggregate classification (germline): Conflicting classifications of pathogenicity. Review status: criteria provided, conflicting classifications (1 of 4 stars). 9 submissions from 9 submitters: Pathogenic (3); Likely pathogenic (4); Uncertain significance (1). 1 of the submissions does not count toward it. Last evaluated 2026-09-01.

Conditions:
Mitochondrial DNA depletion syndrome. Also called: mitochondrial DNA depletion. Identifiers: Orphanet 35698, MedGen C0342782, MONDO:0018158.
POLG-related disorder. Also called: POLG-related condition; POLG-Related Disorders; POLG-Related Spectrum Disorders. Identifiers: MedGen C4763519.
Mitochondrial DNA depletion syndrome 4b. Also called: MNGIE, POLG-RELATED; Mitochondrial Neurogastrointestinal Encephalopathy Disease, POLG-Related. Identifiers: Orphanet 298, MedGen C3150914, MONDO:0013350, OMIM 613662.
Sensory ataxic neuropathy, dysarthria, and ophthalmoparesis (SANDO). Also called: Ataxia Neuropathy Spectrum (ANS); SENSORY ATAXIC NEUROPATHY WITH MITOCHONDRIAL DNA DELETIONS, AUTOSOMAL RECESSIVE; Epilepsy, progressive myoclonic, type 5; Sensory ataxic neuropathy-dysarthria-ophthalmoparesis syndrome. Identifiers: Orphanet 70595, MedGen C1843851, MONDO:0011835, OMIM 607459.
Progressive sclerosing poliodystrophy (MTDPS4A). Also called: Alpers-Huttenlocher Syndrome (AHS); ALPERS PROGRESSIVE INFANTILE POLIODYSTROPHY; Alpers-Huttenlocher Syndrome; NEURONAL DEGENERATION OF CHILDHOOD WITH LIVER DISEASE, PROGRESSIVE; Mitochondrial DNA Depletion Syndrome 4A; ALPERS DIFFUSE DEGENERATION OF CEREBRAL GRAY MATTER WITH HEPATIC CIRRHOSIS. Identifiers: Orphanet 726, MedGen C0205710, MONDO:0008758, OMIM 203700.
Progressive external ophthalmoplegia with mitochondrial DNA deletions, autosomal dominant 1 (PEOA1). Also called: Autosomal Dominant Progressive External Ophthalmoplegia (adPEO); PROGRESSIVE EXTERNAL OPHTHALMOPLEGIA, AUTOSOMAL DOMINANT 1. Identifiers: MedGen C1834846, MONDO:0024528, OMIM 157640.
Progressive external ophthalmoplegia with mitochondrial DNA deletions, autosomal recessive 1 (PEOB1). Also called: Progressive external ophthalmoplegia, autosomal recessive 1; Autosomal Recessive Progressive External Ophthalmoplegia (arPEO). Identifiers: Orphanet 254886, MedGen C4225153, MONDO:0009783, OMIM 258450.

Allele frequency attached by ClinVar (database versions not stated): ExAC 0.00002; gnomAD exomes 0.00001; gnomAD 0.00003; TOPMed 0.00002.

Submissions (9):

CeGaT Center for Human Genetics Tuebingen
Classification: Pathogenic. Last evaluated: 2026-09-01. Review status: criteria provided, single submitter. Criteria: CeGaT Center For Human Genetics Tuebingen Variant Classification Criteria Version 2. Collection method: clinical testing. Allele origin: germline. Affected: yes. Observed: 2 variant alleles.
Comment: POLG: PM3:Strong, PM2, PM5, PP3, PS3:Supporting

Myriad Genetics, Inc.
Classification: Likely pathogenic for POLG-related disorder. Last evaluated: 2026-04-23. Review status: criteria provided, single submitter. Criteria: Myriad Autosomal Dominant, Autosomal Recessive and X-Linked Classification Criteria (2023). Collection method: clinical testing. Allele origin: unknown.
Comment: NM_002693.2(POLG):c.2557C>T(R853W) is a missense variant classified as likely pathogenic in the context of POLG-related disorders. R853W has been observed in cases with relevant disease (PMID: 16401742, 16634032, 27185166, 31271879, 33258288, 39544699). Relevant functional assessments of this variant are not available in the literature. R853W has been observed in referenced population frequency databases. In summary, NM_002693.2(POLG):c.2557C>T(R853W) is a missense variant in a gene where loss of function is a known mechanism of disease, is predicted to disrupt protein function, and has been observed more frequently in cases with the relevant disease than in healthy populations. Please note: this variant was assessed in the context of healthy population screening.

Labcorp Genetics (formerly Invitae), Labcorp
Classification: Likely pathogenic for Progressive sclerosing poliodystrophy. Last evaluated: 2024-12-10. Review status: criteria provided, single submitter. Criteria: Invitae Variant Classification Sherloc (09022015). Collection method: clinical testing. Allele origin: germline.
Comment: This sequence change replaces arginine, which is basic and polar, with tryptophan, which is neutral and slightly polar, at codon 853 of the POLG protein (p.Arg853Trp). This variant is present in population databases (rs121918053, gnomAD 0.003%). This missense change has been observed in individual(s) with early-onset Parkinson disease and/or progressive external ophthalmoplegia and ptosis (PMID: 16401742, 16634032, 27185166). ClinVar contains an entry for this variant (Variation ID: 13512). Invitae Evidence Modeling of protein sequence and biophysical properties (such as structural, functional, and spatial information, amino acid conservation, physicochemical variation, residue mobility, and thermodynamic stability) indicates that this missense variant is expected to disrupt POLG protein function with a positive predictive value of 95%. Experimental studies have shown that this missense change affects POLG function (PMID: 20185557). This variant disrupts the p.Arg853 amino acid residue in POLG. Other variant(s) that disrupt this residue have been determined to be pathogenic (PMID: 18546365, 19478085, 20185557). This suggests that this residue is clinically significant, and that variants that disrupt this residue are likely to be disease-causing. In summary, the currently available evidence indicates that the variant is pathogenic, but additional data are needed to prove that conclusively. Therefore, this variant has been classified as Likely Pathogenic.

Fulgent Genetics
Classification: Likely pathogenic for Progressive external ophthalmoplegia with mitochondrial DNA deletions, autosomal dominant 1; Progressive sclerosing poliodystrophy; Progressive external ophthalmoplegia with mitochondrial DNA deletions, autosomal recessive 1; Sensory ataxic neuropathy, dysarthria, and ophthalmoparesis; Mitochondrial DNA depletion syndrome 4b. Last evaluated: 2024-04-02. Review status: criteria provided, single submitter. Criteria: ACMG Guidelines, 2015. Collection method: clinical testing. Allele origin: germline.

Baylor Genetics
Classification: Pathogenic for Progressive sclerosing poliodystrophy. Last evaluated: 2024-02-28. Review status: criteria provided, single submitter. Criteria: ACMG Guidelines, 2015. Collection method: clinical testing. Allele origin: unknown.

Blueprint Genetics
Classification: Pathogenic for POLG-related disorders. Last evaluated: 2023-10-27. Review status: criteria provided, single submitter. Criteria: ACMG Guidelines, 2015. Collection method: clinical testing. Allele origin: germline. Affected: yes. Observed: 2 variant alleles.

Women's Health and Genetics/Laboratory Corporation of America, LabCorp
Classification: Likely pathogenic for Mitochondrial DNA depletion syndrome. Last evaluated: 2023-08-09. Review status: criteria provided, single submitter. Criteria: LabCorp Variant Classification Summary - May 2015. Collection method: clinical testing. Allele origin: germline.
Comment: Variant summary: POLG c.2557C>T (p.Arg853Trp) results in a non-conservative amino acid change located in the DNA polymerase gamma, palm domain (IPR047580) of the encoded protein sequence. Five of five in-silico tools predict a damaging effect of the variant on protein function. The variant allele was found at a frequency of 1.2e-05 in 251374 control chromosomes. c.2557C>T has been reported in the literature as biallelic genotypes in individuals affected with features of autosomal recessive POLG Related-Mitochondrial DNA Depletion Syndrome (example, Davidson_2006, Gonzalez-Vioque_2006, Qualo_2020). These data indicate that the variant is likely to be associated with disease. At least one publication reports experimental evidence evaluating an impact on protein function, however, does not allow convincing conclusions about the variant effect (Stumpf_2010). The following publications have been ascertained in the context of this evaluation (PMID: 16634032, 16401742, 33258288, 20185557). Two submitters have cited clinical-significance assessments for this variant to ClinVar after 2014. One submitter classified the variant as likely pathogenic and one submitter classified the variant as uncertain significance. Based on the evidence outlined above, the variant was classified as likely pathogenic.

Laboratory for Molecular Medicine, Mass General Brigham Personalized Medicine
Classification: Uncertain significance. Last evaluated: 2020-06-05. Review status: criteria provided, single submitter. Criteria: LMM Criteria. Collection method: clinical testing. Allele origin: germline. Inheritance: Autosomal recessive inheritance. Observed: 1 variant allele.
Comment: Variant classified as Uncertain Significance - Favor Pathogenic. The p.Arg853Trp variant in POLG has been reported in the compound heterozygous state in an individual affected with progressive external ophthalmoplegia and ptosis 2, and in 2 individuals with early-onset Parkinson's disease and features of mitochondrial disease (segregating with disease in 1 affected family member; Davidzon 2006 PMID: 16634032, Rempe 2016 PMID: 27185166, Gonzalez-Vioque 2006 PMID: 16401742). This variant has also been reported in ClinVar (Variation ID: 13512) and was identified in 4/129112 of European chromosomes by gnomAD. In vitro functional studies provide some evidence that this variant impacts protein function (Stumpf 2010 PMID: 20185557). In summary, while there is some suspicion for a pathogenic role, the clinical significance of this variant is uncertain. ACMG/AMP Criteria applied: PM2, PP1, PP3, PM3_Supporting, PS3_Supporting.

OMIM
Classification: Pathogenic for PROGRESSIVE EXTERNAL OPHTHALMOPLEGIA WITH MITOCHONDRIAL DNA DELETIONS, AUTOSOMAL RECESSIVE 1. Last evaluated: 2006-05-01. Review status: no assertion criteria provided. Collection method: literature only. Allele origin: germline. Not counted in ClinVar's aggregate classification.

Literature cited by the submitters: PubMed 16401742 (cited by 4 submitters); PubMed 16634032 (cited by 5 submitters); PubMed 27185166 (cited by 3 submitters); PubMed 31271879 (cited by Myriad Genetics, Inc.); PubMed 33258288 (cited by Myriad Genetics, Inc. and Women's Health and Genetics/Laboratory Corporation of America, LabCorp); PubMed 39544699 (cited by Myriad Genetics, Inc.); PubMed 20185557 (cited by 3 submitters); PubMed 18546365 (cited by Labcorp Genetics (formerly Invitae), Labcorp); PubMed 19478085 (cited by Labcorp Genetics (formerly Invitae), Labcorp).